The following is an entry in ClinVar:

ClinVar aggregate classification (germline): Uncertain significance (1 of 4 stars; one submission).

Allele frequency attached by ClinVar (database versions not stated): ExAC 0.00001; ESP Exome Variant Server 0.00008.
gnomAD v4.1: 3 of 1,609,874 alleles (0.00019%); highest among the groups gnomAD compares: Non-Finnish European, 0.00025%; no homozygotes.

Submission:

Labcorp Genetics (formerly Invitae), Labcorp
Classification: Uncertain significance. Last evaluated: 2022-02-03. Review status: criteria provided, single submitter. Criteria: Invitae Variant Classification Sherloc (09022015). Collection method: clinical testing. Allele origin: germline.
Comment: In summary, the available evidence is currently insufficient to determine the role of this variant in disease. Therefore, it has been classified as a Variant of Uncertain Significance. Algorithms developed to predict the effect of missense changes on protein structure and function are either unavailable or do not agree on the potential impact of this missense change (SIFT: "Deleterious"; PolyPhen-2: "Probably Damaging"; Align-GVGD: "Class C0"). This variant has not been reported in the literature in individuals affected with GPR179-related conditions. This variant is present in population databases (rs373489712, gnomAD 0.0009%). This sequence change replaces alanine, which is neutral and non-polar, with proline, which is neutral and non-polar, at codon 878 of the GPR179 protein (p.Ala878Pro).

NM_001004334.4(GPR179):c.2632G>C (p.Ala878Pro)

Gene: GPR179 (G protein-coupled receptor 179; minus strand). Cytogenetic location: 17q12.
Variant type: single nucleotide variant.
Coding change: c.2632G>C on transcript NM_001004334.4 (MANE Select); coding-DNA position 2632, G replaced by C.
Protein change: p.Ala878Pro; replaces alanine 878 with proline.
Molecular consequence: missense variant.
Genome position (GRCh38, 1-based): chr17:38,330,937, C>G on the plus strand (G>C on the coding strand, the complement: GPR179 is on the minus strand). VCF-style: chr17-38330937-C-G. GRCh37 (hg19) VCF-style: chr17-36486820-C-G.
Other names: short protein forms A878P.
Identifiers: ClinVar variation 1349649 (VCV001349649.8), dbSNP rs373489712, ClinGen allele CA290105673.